The following is an entry in ClinVar:

NM_014361.4(CNTN5):c.310G>A (p.Glu104Lys)

Gene: CNTN5 (contactin 5; plus strand). Cytogenetic location: 11q22.1.
Variant type: single nucleotide variant.
Coding change: c.310G>A on transcript NM_014361.4 (MANE Select); coding-DNA position 310, G replaced by A.
Protein change: p.Glu104Lys; replaces glutamic acid 104 with lysine.
Molecular consequence: missense variant.
Genome position (GRCh38, 1-based): chr11:99,844,884, G>A. VCF-style: chr11-99844884-G-A. GRCh37 (hg19) VCF-style: chr11-99715616-G-A.
Other names: c.310G>A, p.Glu104Lys (NM_001243270.2, NM_001243271.2); c.88G>A, p.Glu30Lys (NM_175566.2); short protein forms E104K, E30K.
Identifiers: ClinVar variation 3345002 (VCV003345002.1).
Genomic context (GRCh38, chr11:99,844,884, plus strand): 5'-TTAAAATGTGTCTGTTTTGTCTTTACAGAAAGTGTGGACTATGGGCCAGTTTTTGTGCAA[G>A]AACCAGATGATATTATTTTTCCAACTGATTCTGATGAAAAGAAGGTAGCATTGAATTGTG-3'
Protein context (NP_055176.1, residues 94-114): SVDYGPVFVQ[Glu104Lys]PDDIIFPTDS

ClinVar aggregate classification (germline): Uncertain significance (0 of 4 stars; one submission).

Conditions:
CNTN5-related disorder. Also called: CNTN5-related condition.

Submission:

PreventionGenetics, part of Exact Sciences
Classification: Uncertain significance for CNTN5-related condition. Last evaluated: 2024-08-15. Review status: no assertion criteria provided. Collection method: clinical testing. Allele origin: germline.
Comment: The CNTN5 c.310G>A variant is predicted to result in the amino acid substitution p.Glu104Lys. To our knowledge, this variant has not been reported in the literature or in a large population database, indicating this variant is rare. At this time, the clinical significance of this variant is uncertain due to the absence of conclusive functional and genetic evidence.